The following is an entry in ClinVar:

NM_000321.3(RB1):c.1462G>A (p.Ala488Thr)

Gene: RB1 (RB transcriptional corepressor 1; plus strand). Cytogenetic location: 13q14.2.
Variant type: single nucleotide variant.
Coding change: c.1462G>A on transcript NM_000321.3 (MANE Select); coding-DNA position 1462, G replaced by A.
Protein change: p.Ala488Thr; replaces alanine 488 with threonine.
Molecular consequence: missense variant.
Genome position (GRCh38, 1-based): chr13:48,380,205, G>A. VCF-style: chr13-48380205-G-A. GRCh37 (hg19) VCF-style: chr13-48954341-G-A.
Other names: c.1462G>A, p.Ala488Thr (NM_001407165.1, NM_001407166.1); short protein forms A488T.
Identifiers: ClinVar variation 1773185 (VCV001773185.8), dbSNP rs2138142977, ClinGen allele CA388162852.

ClinVar aggregate classification (germline): Uncertain significance. Review status: criteria provided, multiple submitters, no conflicts (2 of 4 stars). 4 submissions from 4 submitters: Uncertain significance (4). Last evaluated 2025-03-04.

Conditions:
Hereditary cancer-predisposing syndrome. Also called: Hereditary Cancer Syndrome; Hereditary neoplastic syndrome; Neoplastic Syndromes, Hereditary; Tumor predisposition. Identifiers: Orphanet 140162, MedGen C0027672, MeSH D009386, MONDO:0015356.
Retinoblastoma (RB1). Also called: RETINOBLASTOMA, SOMATIC. Identifiers: Orphanet 790, MedGen C0035335, MeSH D012175, MONDO:0008380, OMIM 180200, HP:0009919. Disease mechanism: loss of function. Inheritance: Both sporadic and heritable forms are tested..

Allele frequency attached by ClinVar (database versions not stated): gnomAD exomes below 0.00001.
gnomAD v4.1: 1 of 1,605,286 alleles (0.000062%); highest among the groups gnomAD compares: Non-Finnish European, 0.000085%; no homozygotes.

Submissions (4):

Center for Genomic Medicine, Rigshospitalet, Copenhagen University Hospital
Classification: Uncertain significance. Last evaluated: 2025-03-04. Review status: criteria provided, single submitter. Criteria: ACMG Guidelines, 2015. Collection method: clinical testing. Allele origin: germline.

Labcorp Genetics (formerly Invitae), Labcorp
Classification: Uncertain significance for Retinoblastoma. Last evaluated: 2024-12-19. Review status: criteria provided, single submitter. Criteria: Invitae Variant Classification Sherloc (09022015). Collection method: clinical testing. Allele origin: germline.
Comment: This sequence change replaces alanine, which is neutral and non-polar, with threonine, which is neutral and polar, at codon 488 of the RB1 protein (p.Ala488Thr). This variant is not present in population databases (gnomAD no frequency). This variant has not been reported in the literature in individuals affected with RB1-related conditions. ClinVar contains an entry for this variant (Variation ID: 1773185). Invitae Evidence Modeling of protein sequence and biophysical properties (such as structural, functional, and spatial information, amino acid conservation, physicochemical variation, residue mobility, and thermodynamic stability) indicates that this missense variant is not expected to disrupt RB1 protein function with a negative predictive value of 80%. In summary, the available evidence is currently insufficient to determine the role of this variant in disease. Therefore, it has been classified as a Variant of Uncertain Significance.

Ambry Genetics
Classification: Uncertain significance for Hereditary cancer-predisposing syndrome. Last evaluated: 2024-07-10. Review status: criteria provided, single submitter. Criteria: Ambry Variant Classification Scheme 2023. Collection method: clinical testing. Allele origin: germline.
Comment: The p.A488T variant (also known as c.1462G>A), located in coding exon 16 of the RB1 gene, results from a G to A substitution at nucleotide position 1462. The alanine at codon 488 is replaced by threonine, an amino acid with similar properties. This amino acid position is highly conserved in available vertebrate species. In addition, this alteration is predicted to be deleterious by in silico analysis. Based on the available evidence, the clinical significance of this variant remains unclear.

All of Us Research Program, National Institutes of Health
Classification: Uncertain significance for Retinoblastoma. Last evaluated: 2023-03-04. Review status: criteria provided, single submitter. Criteria: ACMG Guidelines, 2015. Collection method: clinical testing. Allele origin: germline. Inheritance: Autosomal dominant inheritance. Observed: 1 variant allele, 1 heterozygote.
Comment: This study involves interpretation of variants in research participants for the purpose of population health screening. Participant phenotype was not available at the time of variant classification. Additional details can be found in publication PMID: 35346344, PMCID: PMC8962531